The following is an entry in ClinVar:

NM_016239.4(MYO15A):c.8825G>A (p.Arg2942His)

Gene: MYO15A (myosin XVA; plus strand). Cytogenetic location: 17p11.2.
Variant type: single nucleotide variant.
Coding change: c.8825G>A on transcript NM_016239.4 (MANE Select); coding-DNA position 8825, G replaced by A.
Protein change: p.Arg2942His; replaces arginine 2942 with histidine.
Molecular consequence: missense variant.
Genome position (GRCh38, 1-based): chr17:18,157,758, G>A. VCF-style: chr17-18157758-G-A. GRCh37 (hg19) VCF-style: chr17-18061072-G-A.
Other names: short protein forms R2942H.
Identifiers: ClinVar variation 889322 (VCV000889322.6), dbSNP rs374985544, ClinGen allele CA8425284.
Genomic context (GRCh38, chr17:18,157,758, plus strand): 5'-CTCAGACCTTTTACCCACCCCTAGGCTGGAGGTTCGGGACCATCCACGGGCGCGTGGGCC[G>A]CTTCCCTTCGGAGCTGGTGCAGCCCGCTGCTGCCCCCGACTTCCTGCAGCTGCCAACGGA-3'
Protein context (NP_057323.3, residues 2932-2952): RFGTIHGRVG[Arg2942His]FPSELVQPAA

ClinVar aggregate classification (germline): Conflicting classifications of pathogenicity. Review status: criteria provided, conflicting classifications (1 of 4 stars). 3 submissions from 3 submitters: Uncertain significance (2); Likely benign (1). Last evaluated 2025-08-29.

Conditions:
Inborn genetic diseases. Identifiers: MedGen C0950123, MeSH D030342.
Autosomal recessive nonsyndromic hearing loss 3. Also called: NEUROSENSORY NONSYNDROMIC RECESSIVE DEAFNESS 3. Identifiers: Orphanet 90636, MedGen C1838263, MONDO:0010860, OMIM 600316.

Allele frequency attached by ClinVar (database versions not stated): ExAC 0.00001; TOPMed 0.00001; gnomAD 0.00002; gnomAD exomes 0.00002; ESP Exome Variant Server 0.00008.
gnomAD v4.1: 18 of 1,605,918 alleles (0.0011%); highest among the groups gnomAD compares: Middle Eastern, 0.016%; no homozygotes.

Submissions (3):

Ambry Genetics
Classification: Likely benign for Inborn genetic diseases. Last evaluated: 2025-08-29. Review status: criteria provided, single submitter. Criteria: Ambry Variant Classification Scheme 2023. Collection method: clinical testing. Allele origin: germline.

GeneDx
Classification: Uncertain significance. Last evaluated: 2025-01-23. Review status: criteria provided, single submitter. Criteria: GeneDx Variant Classification Process June 2021. Collection method: clinical testing. Allele origin: germline. Affected: yes.
Comment: Not observed at significant frequency in large population cohorts (gnomAD); In silico analysis indicates that this missense variant does not alter protein structure/function; Has not been previously published as pathogenic or benign to our knowledge

Illumina Laboratory Services, Illumina
Classification: Uncertain significance for Autosomal recessive nonsyndromic hearing loss 3. Last evaluated: 2018-01-12. Review status: criteria provided, single submitter. Criteria: ICSL Variant Classification Criteria 13 December 2019. Collection method: clinical testing. Allele origin: germline.